The following is an entry in ClinVar:

NM_000059.4(BRCA2):c.2269A>G (p.Lys757Glu)

Gene: BRCA2 (BRCA2 DNA repair associated; plus strand). Cytogenetic location: 13q13.1.
Variant type: single nucleotide variant.
Coding change: c.2269A>G on transcript NM_000059.4 (MANE Select); coding-DNA position 2269, A replaced by G.
Protein change: p.Lys757Glu; replaces lysine 757 with glutamic acid.
Molecular consequence: missense variant.
Genome position (GRCh38, 1-based): chr13:32,336,624, A>G. VCF-style: chr13-32336624-A-G. GRCh37 (hg19) VCF-style: chr13-32910761-A-G.
Other names: short protein forms K757E.
Identifiers: ClinVar variation 409515 (VCV000409515.12), dbSNP rs886040419, ClinGen allele CA16613937.
Genomic context (GRCh38, chr13:32,336,624, plus strand): 5'-GCATGTCACCCAGTACAACATTCAAAAGTGGAATACAGTGATACTGACTTTCAATCCCAG[A>G]AAAGTCTTTTATATGATCATGAAAATGCCAGCACTCTTATTTTAACTCCTACTTCCAAGG-3'
Protein context (NP_000050.3, residues 747-767): EYSDTDFQSQ[Lys757Glu]SLLYDHENAS

ClinVar aggregate classification (germline): Conflicting classifications of pathogenicity. Review status: criteria provided, conflicting classifications (1 of 4 stars). 3 submissions from 3 submitters: Uncertain significance (1); Likely benign (2). Last evaluated 2025-04-09.

Conditions:
Hereditary breast ovarian cancer syndrome. Also called: Hereditary breast and ovarian cancer; Hereditary breast and/or ovarian cancer syndrome; BRCA1- and BRCA2-Associated Hereditary Breast and Ovarian Cancer; Hereditary breast and ovarian cancer syndrome; Hereditary breast and ovarian cancer syndrome (HBOC); Breast and ovarian cancer. Identifiers: Orphanet 145, MedGen C0677776, MeSH D061325, MONDO:0003582. Disease mechanism: loss of function.
Hereditary cancer-predisposing syndrome. Also called: Tumor predisposition; Hereditary Cancer Syndrome; Hereditary neoplastic syndrome; Neoplastic Syndromes, Hereditary. Identifiers: Orphanet 140162, MedGen C0027672, MeSH D009386, MONDO:0015356.

Submissions (3):

Labcorp Genetics (formerly Invitae), Labcorp
Classification: Uncertain significance for Hereditary breast ovarian cancer syndrome. Last evaluated: 2025-04-09. Review status: criteria provided, single submitter. Criteria: Invitae Variant Classification Sherloc (09022015). Collection method: clinical testing. Allele origin: germline.
Comment: This sequence change replaces lysine, which is basic and polar, with glutamic acid, which is acidic and polar, at codon 757 of the BRCA2 protein (p.Lys757Glu). This variant is not present in population databases (gnomAD no frequency). This variant has not been reported in the literature in individuals affected with BRCA2-related conditions. ClinVar contains an entry for this variant (Variation ID: 409515). Invitae Evidence Modeling of protein sequence and biophysical properties (such as structural, functional, and spatial information, amino acid conservation, physicochemical variation, residue mobility, and thermodynamic stability) indicates that this missense variant is not expected to disrupt BRCA2 protein function with a negative predictive value of 95%. In summary, the available evidence is currently insufficient to determine the role of this variant in disease. Therefore, it has been classified as a Variant of Uncertain Significance.

University of Washington Department of Laboratory Medicine, University of Washington
Classification: Likely benign for Hereditary cancer-predisposing syndrome. Last evaluated: 2023-03-23. Review status: criteria provided, single submitter. Criteria: Dines et al. (Genet Med. 2020). Collection method: curation. Allele origin: germline.
Comment: Missense variant in a coldspot region where missense variants are very unlikely to be pathogenic (PMID:31911673).

BRCA2 exon 11 coldspot. Reclassification based on statistical prior probability.

Ambry Genetics
Classification: Likely benign for Hereditary cancer-predisposing syndrome. Last evaluated: 2020-07-24. Review status: criteria provided, single submitter. Criteria: Ambry Variant Classification Scheme 2023. Collection method: clinical testing. Allele origin: germline.